The following is an entry in ClinVar:

ClinVar aggregate classification (germline): Benign/Likely benign. Review status: criteria provided, multiple submitters, no conflicts (2 of 4 stars). 3 submissions from 3 submitters: Benign (1); Likely benign (2). Last evaluated 2026-08-18.

Conditions:
Hereditary cancer-predisposing syndrome. Also called: Hereditary Cancer Syndrome; Hereditary neoplastic syndrome; Neoplastic Syndromes, Hereditary; Tumor predisposition. Identifiers: Orphanet 140162, MedGen C0027672, MeSH D009386, MONDO:0015356.
DICER1-related tumor predisposition. Also called: DICER1-related pleuropulmonary blastoma cancer predisposition syndrome; DICER1 syndrome. Identifiers: Orphanet 284343, MedGen C3839822, MONDO:0100216.

Submissions (3):

Myriad Genetics, Inc.
Classification: Benign for DICER1-related tumor predisposition. Last evaluated: 2026-08-18. Review status: criteria provided, single submitter. Criteria: Myriad Autosomal Dominant, Autosomal Recessive and X-Linked Classification Criteria (2023). Collection method: clinical testing. Allele origin: unknown.
Comment: This variant is considered benign. This variant is a silent/synonymous amino acid change and it is not expected to impact splicing.

Labcorp Genetics (formerly Invitae), Labcorp
Classification: Likely benign for DICER1-related tumor predisposition. Last evaluated: 2021-12-24. Review status: criteria provided, single submitter. Criteria: Invitae Variant Classification Sherloc (09022015). Collection method: clinical testing. Allele origin: germline.

Ambry Genetics
Classification: Likely benign for Hereditary cancer-predisposing syndrome. Last evaluated: 2021-03-04. Review status: criteria provided, single submitter. Criteria: Ambry Variant Classification Scheme 2023. Collection method: clinical testing. Allele origin: germline.

NM_177438.3(DICER1):c.1965C>A (p.Thr655=)

Gene: DICER1 (dicer 1, ribonuclease III; minus strand). Cytogenetic location: 14q32.13.
Variant type: single nucleotide variant.
Coding change: c.1965C>A on transcript NM_177438.3 (MANE Select); coding-DNA position 1965, C replaced by A.
Protein change: p.Thr655=; no amino-acid change (threonine 655 retained).
Molecular consequence: synonymous variant.
Genome position (GRCh38, 1-based): chr14:95,113,167, G>T on the plus strand (C>A on the coding strand, the complement: DICER1 is on the minus strand). VCF-style: chr14-95113167-G-T. GRCh37 (hg19) VCF-style: chr14-95579504-G-T.
Other names: c.1965C>A, p.Thr655= (NM_001195573.1, NM_001271282.3, NM_001291628.2 and 1 more transcripts).
Identifiers: ClinVar variation 1127681 (VCV001127681.13), dbSNP rs1595396973, ClinGen allele CA487630137.